The following is an entry in ClinVar:

NM_139027.6(ADAMTS13):c.2807C>T (p.Ala936Val)

Gene: ADAMTS13 (ADAM metallopeptidase with thrombospondin type 1 motif 13; plus strand). Cytogenetic location: 9q34.2.
Variant type: single nucleotide variant.
Coding change: c.2807C>T on transcript NM_139027.6 (MANE Select); coding-DNA position 2807, C replaced by T.
Protein change: p.Ala936Val; replaces alanine 936 with valine.
Molecular consequence: missense variant. On other transcripts: non-coding transcript variant (1).
Genome position (GRCh38, 1-based): chr9:133,448,674, C>T. VCF-style: chr9-133448674-C-T. GRCh37 (hg19) VCF-style: chr9-136313795-C-T.
Other names: c.2807C>T, p.Ala936Val (NM_139025.5); c.2714C>T, p.Ala905Val (NM_139026.6); short protein forms A905V, A936V.
Identifiers: ClinVar variation 2005285 (VCV002005285.4), dbSNP rs1554793319, ClinGen allele CA375404166.
Genomic context (GRCh38, chr9:133,448,674, plus strand): 5'-GTTTCCTGTGCATGGACTCTGCCCTCAGGGTGCCTGTCCAGGAAGAGCTGTGTGGCCTGG[C>T]AAGCAAGCCTGGGAGCCGGCGGGAGGTCTGCCAGGCTGTCCCGTGCCCTGCTCGGTGAGT-3'
Protein context (NP_620596.2, residues 926-946): VPVQEELCGL[Ala936Val]SKPGSRREVC

ClinVar aggregate classification (germline): Uncertain significance (1 of 4 stars; one submission).

Submission:

Labcorp Genetics (formerly Invitae), Labcorp
Classification: Uncertain significance. Last evaluated: 2022-11-01. Review status: criteria provided, single submitter. Criteria: Invitae Variant Classification Sherloc (09022015). Collection method: clinical testing. Allele origin: germline.
Comment: In summary, the available evidence is currently insufficient to determine the role of this variant in disease. Therefore, it has been classified as a Variant of Uncertain Significance. Algorithms developed to predict the effect of sequence changes on RNA splicing suggest that this variant may disrupt the consensus splice site. Algorithms developed to predict the effect of missense changes on protein structure and function output the following: SIFT: "Tolerated"; PolyPhen-2: "Benign"; Align-GVGD: "Class C0". The valine amino acid residue is found in multiple mammalian species, which suggests that this missense change does not adversely affect protein function. This variant has not been reported in the literature in individuals affected with ADAMTS13-related conditions. This variant is not present in population databases (gnomAD no frequency). This sequence change replaces alanine, which is neutral and non-polar, with valine, which is neutral and non-polar, at codon 936 of the ADAMTS13 protein (p.Ala936Val).